The following is an entry in ClinVar:

ClinVar aggregate classification (germline): Uncertain significance (1 of 4 stars; one submission).

Conditions:
GPRASP2-related disorder. Also called: GPRASP2-related condition.

gnomAD v4.1: 6 of 1,204,706 alleles (0.0005%); highest among the groups gnomAD compares: Admixed American, 0.0044%; no homozygotes.

Submission:

PreventionGenetics, part of Exact Sciences
Classification: Uncertain significance for GPRASP2-related condition. Last evaluated: 2024-11-14. Review status: criteria provided, single submitter. Criteria: ACMG Guidelines, 2015. Collection method: clinical testing. Allele origin: germline.
Comment: The GPRASP2 c.2212G>A variant is predicted to result in the amino acid substitution p.Val738Ile. To our knowledge, this variant has not been reported in the literature. This variant is reported in 0.0072% of alleles in individuals of Latino descent in gnomAD, including two hemizygotes in the larger gnomAD v4.1.0 database. At this time, the clinical significance of this variant is uncertain due to the absence of conclusive functional and genetic evidence.

NM_001004051.4(GPRASP2):c.2212G>A (p.Val738Ile)

Genes: ARMCX5-GPRASP2 (ARMCX5-GPRASP2 readthrough; plus strand), GPRASP2 (G protein-coupled receptor associated sorting protein 2; plus strand). Cytogenetic location: Xq22.1.
Variant type: single nucleotide variant.
Coding change: c.2212G>A on transcript NM_001004051.4 (MANE Select); coding-DNA position 2212, G replaced by A.
Protein change: p.Val738Ile; replaces valine 738 with isoleucine.
Molecular consequence: missense variant. On other transcripts: intron variant (3).
Genome position (GRCh38, 1-based): chrX:102,717,081, G>A. VCF-style: chrX-102717081-G-A. GRCh37 (hg19) VCF-style: chrX-101972009-G-A.
Other names: c.2212G>A, p.Val738Ile (NM_001199818.1, NM_001184874.3, NM_001184875.3 and 2 more transcripts); c.-820+2815G>A (NM_001350268.2); c.-752+2815G>A (NM_001350269.2); c.-721+2815G>A (NM_001350270.1); short protein forms V738I.
Identifiers: ClinVar variation 4982211 (VCV004982211.1).